The following is an entry in ClinVar:

NC_000021.8:g.(?_47408988)_(47410346_?)del

Gene: COL6A1 (collagen type VI alpha 1 chain; plus strand). Cytogenetic location: 21q22.3.
Variant type: Deletion.
Identifiers: ClinVar variation 1460048 (VCV001460048.8).

ClinVar aggregate classification (germline): Pathogenic (1 of 4 stars; one submission).

Conditions:
Bethlem myopathy 1A. Also called: Bethlem myopathy 1; Bethlem Muscular Dystrophy; MYOPATHY, BENIGN CONGENITAL, WITH CONTRACTURES. Identifiers: Orphanet 610, MedGen CN029274, MONDO:0024530, OMIM 158810.

Submission:

Labcorp Genetics (formerly Invitae), Labcorp
Classification: Pathogenic for Bethlem myopathy 1A. Last evaluated: 2023-11-10. Review status: criteria provided, single submitter. Criteria: Invitae Variant Classification Sherloc (09022015). Collection method: clinical testing. Allele origin: germline.
Comment: This variant is a gross deletion of the genomic region encompassing exon(s) 9-13 of the COL6A1 gene. This variant would be expected to be in-frame, preserving the integrity of the reading frame. A similar copy number variant has been observed in individual(s) with Ullrich congenital muscular dystrophy (PMID: 16278855). In at least one individual the variant was observed to be de novo. Studies have shown that a similar copy number variant alters COL6A1 gene expression (PMID: 16278855). This variant disrupts the triple helix domain of COL6A1. Glycine residues within the Gly-Xaa-Yaa repeats of the triple helix domain are required for the structure and stability of fibrillar collagens (PMID: 7695699, 8218237, 19344236). In COL6A1, variants at these glycine residues are significantly enriched in individuals with autosomal dominant disease (PMID: 15689448, 24038877) compared to the general population (ExAC). For these reasons, this variant has been classified as Pathogenic.

Literature cited by the submitters: PubMed 16278855; PubMed 7695699; PubMed 8218237; PubMed 19344236; PubMed 15689448; PubMed 24038877.